The following is an entry in ClinVar:

NM_001035.3(RYR2):c.2538C>T (p.Tyr846=)

Gene: RYR2 (ryanodine receptor 2; plus strand). Cytogenetic location: 1q43.
Variant type: single nucleotide variant.
Coding change: c.2538C>T on transcript NM_001035.3 (MANE Select); coding-DNA position 2538, C replaced by T.
Protein change: p.Tyr846=; no amino-acid change (tyrosine 846 retained).
Molecular consequence: synonymous variant.
Genome position (GRCh38, 1-based): chr1:237,503,430, C>T. VCF-style: chr1-237503430-C-T. GRCh37 (hg19) VCF-style: chr1-237666730-C-T.
Other names: c.2538C>T, p.Tyr846= (LRG_402t1).
Identifiers: ClinVar variation 385330 (VCV000385330.1), dbSNP rs368604900, ClinGen allele CA086064.

ClinVar aggregate classification (germline): Likely benign (1 of 4 stars; one submission).

Allele frequency attached by ClinVar (database versions not stated): gnomAD 0.00001; ESP Exome Variant Server 0.00008; TOPMed 0.00001 and below 0.00001; gnomAD exomes below 0.00001; ExAC 0.00001.
gnomAD v4.1: 3 of 1,613,826 alleles (0.00019%); highest among the groups gnomAD compares: Non-Finnish European, 0.00025%; no homozygotes.

Submission:

GeneDx
Classification: Likely benign. Last evaluated: 2016-04-06. Review status: criteria provided, single submitter. Criteria: GeneDx Variant Classification (06012015). Collection method: clinical testing. Allele origin: germline. Affected: yes.
Comment: This variant is considered likely benign or benign based on one or more of the following criteria: it is a conservative change, it occurs at a poorly conserved position in the protein, it is predicted to be benign by multiple in silico algorithms, and/or has population frequency not consistent with disease.